The following is an entry in ClinVar:

ClinVar aggregate classification (germline): Uncertain significance (1 of 4 stars; one submission).

gnomAD v4.1: 1 of 1,609,364 alleles (0.000062%); highest among the groups gnomAD compares: Non-Finnish European, 0.000085%; no homozygotes.

Submission:

Labcorp Genetics (formerly Invitae), Labcorp
Classification: Uncertain significance. Last evaluated: 2025-08-11. Review status: criteria provided, single submitter. Criteria: Invitae Variant Classification Sherloc (09022015). Collection method: clinical testing. Allele origin: germline.
Comment: This sequence change replaces proline, which is neutral and non-polar, with arginine, which is basic and polar, at codon 872 of the COL2A1 protein (p.Pro872Arg). This variant is not present in population databases (gnomAD no frequency). This variant has not been reported in the literature in individuals affected with COL2A1-related conditions. ClinVar contains an entry for this variant (Variation ID: 2874327). Invitae Evidence Modeling of protein sequence and biophysical properties (such as structural, functional, and spatial information, amino acid conservation, physicochemical variation, residue mobility, and thermodynamic stability) has been performed for this missense variant. However, the output from this modeling did not meet the statistical confidence thresholds required to predict the impact of this variant on COL2A1 protein function. In summary, the available evidence is currently insufficient to determine the role of this variant in disease. Therefore, it has been classified as a Variant of Uncertain Significance.

NM_001844.5(COL2A1):c.2615C>G (p.Pro872Arg)

Gene: COL2A1 (collagen type II alpha 1 chain; minus strand). Cytogenetic location: 12q13.11.
Variant type: single nucleotide variant.
Coding change: c.2615C>G on transcript NM_001844.5 (MANE Select); coding-DNA position 2615, C replaced by G.
Protein change: p.Pro872Arg; replaces proline 872 with arginine.
Molecular consequence: missense variant.
Genome position (GRCh38, 1-based): chr12:47,980,564, G>C on the plus strand (C>G on the coding strand, the complement: COL2A1 is on the minus strand). VCF-style: chr12-47980564-G-C. GRCh37 (hg19) VCF-style: chr12-48374347-G-C.
Other names: c.2408C>G, p.Pro803Arg (NM_033150.3); short protein forms P872R, P803R.
Identifiers: ClinVar variation 2874327 (VCV002874327.3), dbSNP rs1306772996, ClinGen allele CA384544356.